The following is an entry in ClinVar:

ClinVar aggregate classification (germline): Likely benign. Review status: criteria provided, multiple submitters, no conflicts (2 of 4 stars). 3 submissions from 3 submitters: Likely benign (3). Last evaluated 2024-09-10.

Conditions:
Inborn genetic diseases. Identifiers: MedGen C0950123, MeSH D030342.
Cerebral creatine deficiency syndrome. Also called: Creatine deficiency syndromes. Identifiers: Orphanet 79172, MedGen C5244016, MONDO:0000456.

Allele frequency attached by ClinVar (database versions not stated): gnomAD 0.00001; gnomAD exomes 0.00002 and 0.00003; TOPMed 0.00002.
gnomAD v4.1: 39 of 1,612,842 alleles (0.0024%); highest among the groups gnomAD compares: Non-Finnish European, 0.0031%; no homozygotes.

Submissions (3):

Labcorp Genetics (formerly Invitae), Labcorp
Classification: Likely benign for Cerebral creatine deficiency syndrome. Last evaluated: 2024-09-10. Review status: criteria provided, single submitter. Criteria: Invitae Variant Classification Sherloc (09022015). Collection method: clinical testing. Allele origin: germline.

CeGaT Center for Human Genetics Tuebingen
Classification: Likely benign. Last evaluated: 2023-02-01. Review status: criteria provided, single submitter. Criteria: CeGaT Center For Human Genetics Tuebingen Variant Classification Criteria Version 2. Collection method: clinical testing. Allele origin: germline. Affected: yes. Observed: 1 variant allele.
Comment: GAMT: BP4, BP7

Ambry Genetics
Classification: Likely benign for Inborn genetic diseases. Last evaluated: 2016-11-29. Review status: criteria provided, single submitter. Criteria: Ambry Variant Classification Scheme 2023. Collection method: clinical testing. Allele origin: germline.

NM_000156.6(GAMT):c.384C>T (p.His128=)

Gene: GAMT (guanidinoacetate N-methyltransferase; minus strand). Cytogenetic location: 19p13.3.
Variant type: single nucleotide variant.
Coding change: c.384C>T on transcript NM_000156.6 (MANE Select); coding-DNA position 384, C replaced by T.
Protein change: p.His128=; no amino-acid change (histidine 128 retained).
Molecular consequence: synonymous variant.
Genome position (GRCh38, 1-based): chr19:1,399,531, G>A on the plus strand (C>T on the coding strand, the complement: GAMT is on the minus strand). VCF-style: chr19-1399531-G-A. GRCh37 (hg19) VCF-style: chr19-1399530-G-A.
Other names: c.384C>T, p.His128= (NM_138924.3).
Identifiers: ClinVar variation 589969 (VCV000589969.37), dbSNP rs1310922766, ClinGen allele CA504730171.
Genomic context (GRCh38, chr19:1,399,531, plus strand): 5'-GCTGCATTGGAGCTGGGGAGGCCCACCCTGTGATACGTCCCCTCACCCCTCACCATCAAA[G>A]TGACCGTCAGGCAGGGTGGGTGCCACATCCTCCCACAGGCCTTTCAAGGGGATGACCTTG-3'
Protein context (NP_000147.1, residues 118-138): EDVAPTLPDG[His128=]FDGILYDTYP